The following is an entry in ClinVar:

NM_004082.5(DCTN1):c.259A>G (p.Ile87Val)

Gene: DCTN1 (dynactin subunit 1; minus strand). Cytogenetic location: 2p13.1.
Variant type: single nucleotide variant.
Coding change: c.259A>G on transcript NM_004082.5 (MANE Select); coding-DNA position 259, A replaced by G.
Protein change: p.Ile87Val; replaces isoleucine 87 with valine.
Molecular consequence: missense variant. On other transcripts: non-coding transcript variant (1).
Genome position (GRCh38, 1-based): chr2:74,378,020, T>C on the plus strand (A>G on the coding strand, the complement: DCTN1 is on the minus strand). VCF-style: chr2-74378020-T-C. GRCh37 (hg19) VCF-style: chr2-74605147-T-C.
Other names: c.259A>G, p.Ile87Val (NM_001135040.3, NM_001190837.2); c.208A>G, p.Ile70Val (NM_001190836.2, NM_001378991.1, NM_001378992.1); short protein forms I70V, I87V.
Identifiers: ClinVar variation 1449058 (VCV001449058.9), dbSNP rs969750631, ClinGen allele CA50440081.

ClinVar aggregate classification (germline): Uncertain significance. Review status: criteria provided, multiple submitters, no conflicts (2 of 4 stars). 3 submissions from 3 submitters: Uncertain significance (3). Last evaluated 2025-12-23.

Conditions:
Inborn genetic diseases. Identifiers: MedGen C0950123, MeSH D030342.
DCTN1-related disorder. Also called: DCTN1-related condition.
Neuronopathy, distal hereditary motor, type 7B. Also called: Distal Hereditary Motor Neuronopathy Type 7B (dHMN7B); HMN VIIB; LOWER MOTOR NEURON DISEASE, DYNACTIN TYPE; NEURONOPATHY, DISTAL HEREDITARY MOTOR, AUTOSOMAL DOMINANT 14; NEURONOPATHY, DISTAL HEREDITARY MOTOR, HARDING TYPE VIIB; NEUROPATHY, DISTAL HEREDITARY MOTOR, HARDING TYPE VIIB. Identifiers: Orphanet 139589, MedGen C1843315, MONDO:0011879, OMIM 607641.
Perry syndrome. Also called: PARKINSONISM WITH ALVEOLAR HYPOVENTILATION AND MENTAL DEPRESSION. Identifiers: Orphanet 178509, MedGen C1868594, MONDO:0008201, OMIM 168605.
Amyotrophic lateral sclerosis type 1 (ALS1). Also called: AMYOTROPHIC LATERAL SCLEROSIS 1, FAMILIAL. Identifiers: Orphanet 803, MedGen C1862939, MONDO:0007103, OMIM 105400.

Allele frequency attached by ClinVar (database versions not stated): gnomAD exomes 0.00001 and 0.00006; gnomAD 0.00003 and 0.00004; TOPMed 0.00003.
gnomAD v4.1: 90 of 1,614,156 alleles (0.0056%); highest among the groups gnomAD compares: Non-Finnish European, 0.0075%; no homozygotes.

Submissions (3):

Labcorp Genetics (formerly Invitae), Labcorp
Classification: Uncertain significance for Amyotrophic lateral sclerosis type 1; Neuronopathy, distal hereditary motor, type 7B; Perry syndrome. Last evaluated: 2025-12-23. Review status: criteria provided, single submitter. Criteria: Invitae Variant Classification Sherloc (09022015). Collection method: clinical testing. Allele origin: germline.
Comment: This sequence change replaces isoleucine, which is neutral and non-polar, with valine, which is neutral and non-polar, at codon 87 of the DCTN1 protein (p.Ile87Val). This variant is present in population databases (no rsID available, gnomAD 0.003%). This variant has not been reported in the literature in individuals affected with DCTN1-related conditions. ClinVar contains an entry for this variant (Variation ID: 1449058). Invitae Evidence Modeling of protein sequence and biophysical properties (such as structural, functional, and spatial information, amino acid conservation, physicochemical variation, residue mobility, and thermodynamic stability) indicates that this missense variant is not expected to disrupt DCTN1 protein function with a negative predictive value of 95%. In summary, the available evidence is currently insufficient to determine the role of this variant in disease. Therefore, it has been classified as a Variant of Uncertain Significance.

PreventionGenetics, part of Exact Sciences
Classification: Uncertain significance for DCTN1-related condition. Last evaluated: 2025-09-23. Review status: criteria provided, single submitter. Criteria: ACMG Guidelines, 2015. Collection method: clinical testing. Allele origin: germline.
Comment: The DCTN1 c.259A>G variant is predicted to result in the amino acid substitution p.Ile87Val. To our knowledge, this variant has not been reported in the literature. This variant is reported in 0.0026% of alleles in individuals of European (non-Finnish) descent in gnomAD. At this time, the clinical significance of this variant is uncertain due to the absence of conclusive functional and genetic evidence.

Ambry Genetics
Classification: Uncertain significance for Inborn genetic diseases. Last evaluated: 2020-03-11. Review status: criteria provided, single submitter. Criteria: Ambry Variant Classification Scheme 2023. Collection method: clinical testing. Allele origin: germline.
Comment: The p.I87V variant (also known as c.259A>G), located in coding exon 2 of the DCTN1 gene, results from an A to G substitution at nucleotide position 259. The isoleucine at codon 87 is replaced by valine, an amino acid with highly similar properties. This amino acid position is highly conserved in available vertebrate species. In addition, the in silico prediction for this alteration is inconclusive. Since supporting evidence is limited at this time, the clinical significance of this alteration remains unclear.